The following is an entry in ClinVar:

ClinVar aggregate classification (germline): Benign (1 of 4 stars; one submission).

Conditions:
Cayman type cerebellar ataxia. Also called: Cayman ataxia. Identifiers: Orphanet 94122, MedGen C1832585, MONDO:0011025, OMIM 601238.

Allele frequency attached by ClinVar (database versions not stated): 1000 Genomes Project 0.00619; 1000 Genomes Project 30x 0.00640; TOPMed 0.01566; gnomAD 0.01614 and 0.01676; gnomAD exomes 0.02778.
gnomAD v4.1: 2,459 of 152,312 alleles (1.6%); highest among the groups gnomAD compares: Non-Finnish European, 2.6%; 30 homozygotes.

Submission:

Illumina Laboratory Services, Illumina
Classification: Benign for Cayman type cerebellar ataxia. Last evaluated: 2018-01-13. Review status: criteria provided, single submitter. Criteria: ICSL Variant Classification Criteria 13 December 2019. Collection method: clinical testing. Allele origin: germline.
Comment: This variant was observed in the ICSL laboratory as part of a predisposition screen in an ostensibly healthy population. It had not been previously curated by ICSL or reported in the Human Gene Mutation Database (HGMD: prior to June 1st, 2018), and was therefore a candidate for classification through an automated scoring system. Utilizing variant allele frequency, disease prevalence and penetrance estimates, and inheritance mode, an automated score was calculated to assess if this variant is too frequent to cause the disease. Based on the score and internal cut-off values, a variant classified as benign is not then subjected to further curation. The score for this variant resulted in a classification of benign for this disease.

NM_033064.5(ATCAY):c.*2026G>A

Gene: ATCAY (ATCAY kinesin light chain interacting caytaxin; plus strand). Cytogenetic location: 19p13.3.
Variant type: single nucleotide variant.
Coding change: c.*2026G>A on transcript NM_033064.5 (MANE Select); 2026 bases downstream of the stop codon, G replaced by A.
Molecular consequence: 3 prime UTR variant.
Genome position (GRCh38, 1-based): chr19:3,926,618, G>A. VCF-style: chr19-3926618-G-A. GRCh37 (hg19) VCF-style: chr19-3926616-G-A.
Identifiers: ClinVar variation 329190 (VCV000329190.5), dbSNP rs147402942, ClinGen allele CA10648709.